The following is an entry in ClinVar:

ClinVar aggregate classification (germline): Likely benign (1 of 4 stars; one submission).

Conditions:
Amelogenesis imperfecta (AI). Also called: Congenital enamel hypoplasia. Identifiers: Orphanet 88661, MedGen C0002452, MONDO:0019507, HP:0000705.

Allele frequency attached by ClinVar (database versions not stated): TOPMed 0.01820; 1000 Genomes Project 30x 0.01874; 1000 Genomes Project 0.01897; gnomAD 0.02004 and 0.02078; gnomAD exomes 0.25000.

Submission:

Illumina Laboratory Services, Illumina
Classification: Likely benign for Amelogenesis imperfecta. Last evaluated: 2018-01-13. Review status: criteria provided, single submitter. Criteria: ICSL Variant Classification Criteria 13 December 2019. Collection method: clinical testing. Allele origin: germline.
Comment: This variant was observed in the ICSL laboratory as part of a predisposition screen in an ostensibly healthy population. It had not been previously curated by ICSL or reported in the Human Gene Mutation Database (HGMD: prior to June 1st, 2018), and was therefore a candidate for classification through an automated scoring system. Utilizing variant allele frequency, disease prevalence and penetrance estimates, and inheritance mode, an automated score was calculated to assess if this variant is too frequent to cause the disease. Based on the score and internal cut-off values, a variant classified as likely benign is not then subjected to further curation. The score for this variant resulted in a classification of likely benign for this disease.

NM_031889.3(ENAM):c.*936T>A

Gene: ENAM (enamelin; plus strand). Cytogenetic location: 4q13.3.
Variant type: single nucleotide variant.
Coding change: c.*936T>A on transcript NM_031889.3 (MANE Select); 936 bases downstream of the stop codon, T replaced by A.
Molecular consequence: 3 prime UTR variant.
Genome position (GRCh38, 1-based): chr4:70,645,791, T>A. VCF-style: chr4-70645791-T-A. GRCh37 (hg19) VCF-style: chr4-71511508-T-A.
Other names: c.*936T>A (NM_001368133.1).
Identifiers: ClinVar variation 907670 (VCV000907670.4), dbSNP rs115766831, ClinGen allele CA99037063.
Genomic context (GRCh38, chr4:70,645,791, plus strand): 5'-GCTTAACCATCATTACAGAATATATTTTGGAAATGGTAGACACTGATAGCTACTTTGTTT[T>A]TAGTTATCTTAGGGTCTCTACCAAGTAGACACAGTTCAGTTAGAGAGACGTATTTAAGGA-3'